The following is an entry in ClinVar:

ClinVar aggregate classification (germline): Uncertain significance (1 of 4 stars; one submission).

Conditions:
Cardiovascular phenotype. Identifiers: MedGen CN230736.

Submission:

Ambry Genetics
Classification: Uncertain significance for Cardiovascular phenotype. Last evaluated: 2025-02-09. Review status: criteria provided, single submitter. Criteria: Ambry Variant Classification Scheme 2023. Collection method: clinical testing. Allele origin: germline.
Comment: The p.I223F variant (also known as c.667A>T), located in coding exon 3 of the DES gene, results from an A to T substitution at nucleotide position 667. The isoleucine at codon 223 is replaced by phenylalanine, an amino acid with highly similar properties. This amino acid position is conserved. In addition, the in silico prediction for this alteration is inconclusive. Based on the available evidence, the clinical significance of this variant remains unclear.

NM_001927.4(DES):c.667A>T (p.Ile223Phe)

Gene: DES (desmin; plus strand). Cytogenetic location: 2q35.
Variant type: single nucleotide variant.
Coding change: c.667A>T on transcript NM_001927.4 (MANE Select); coding-DNA position 667, A replaced by T.
Protein change: p.Ile223Phe; replaces isoleucine 223 with phenylalanine.
Molecular consequence: missense variant. On other transcripts: intron variant (1).
Genome position (GRCh38, 1-based): chr2:219,420,278, A>T. VCF-style: chr2-219420278-A-T. GRCh37 (hg19) VCF-style: chr2-220285000-A-T.
Other names: c.664A>T, p.Ile222Phe (NM_001382708.1); c.667A>T, p.Ile223Phe (NM_001382709.1, NM_001382710.1, NM_001382711.1 and 1 more transcripts); c.496-247A>T (NM_001382713.1); short protein forms I223F, I222F.
Identifiers: ClinVar variation 3839557 (VCV003839557.1).